The following is an entry in ClinVar:

NM_000264.5(PTCH1):c.2704-2A>G

Gene: PTCH1 (patched 1; minus strand). Cytogenetic location: 9q22.32.
Variant type: single nucleotide variant.
Coding change: c.2704-2A>G on transcript NM_000264.5 (MANE Select); the canonical splice acceptor site of the intron before coding-DNA position 2704, A replaced by G.
Molecular consequence: splice acceptor variant.
Genome position (GRCh38, 1-based): chr9:95,459,785, T>C on the plus strand (A>G on the coding strand, the complement: PTCH1 is on the minus strand). VCF-style: chr9-95459785-T-C. GRCh37 (hg19) VCF-style: chr9-98222067-T-C.
Other names: c.2701-2A>G (NM_001083603.3); c.2506-2A>G (NM_001083602.3); c.2548-2A>G (NM_001354918.2); c.2251-2A>G (NM_001083605.3, NM_001083604.3, NM_001083606.3 and 1 more transcripts).
Identifiers: ClinVar variation 2449670 (VCV002449670.7), dbSNP rs2136673481, ClinGen allele CA374113267.

ClinVar aggregate classification (germline): Conflicting classifications of pathogenicity. Review status: criteria provided, conflicting classifications (1 of 4 stars). 3 submissions from 3 submitters: Likely pathogenic (1); Uncertain significance (2). Last evaluated 2026-04-02.

Conditions:
Hereditary cancer-predisposing syndrome. Also called: Hereditary Cancer Syndrome; Hereditary neoplastic syndrome; Neoplastic Syndromes, Hereditary; Tumor predisposition. Identifiers: Orphanet 140162, MedGen C0027672, MeSH D009386, MONDO:0015356.
Basal cell nevus syndrome 1 (BCNS1). Also called: GORLIN-GOLTZ SYNDROME; MULTIPLE BASAL CELL NEVI, ODONTOGENIC KERATOCYSTS, AND SKELETAL ANOMALIES. Identifiers: MedGen CN376810, MONDO:0958174, OMIM 109400.

Submissions (3):

GeneDx
Classification: Uncertain significance. Last evaluated: 2026-04-02. Review status: criteria provided, single submitter. Criteria: GeneDx Variant Classification Process June 2021. Collection method: clinical testing. Allele origin: germline.
Comment: Not observed at significant frequency in large population cohorts (gnomAD); Canonical splice site variant with an unclear effect on protein function; Has not been previously published as pathogenic or benign to our knowledge

Ambry Genetics
Classification: Uncertain significance for Hereditary cancer-predisposing syndrome. Last evaluated: 2024-06-28. Review status: criteria provided, single submitter. Criteria: Ambry Variant Classification Scheme 2023. Collection method: clinical testing. Allele origin: germline.
Comment: The c.2704-2A>G intronic variant results from an A to G substitution two nucleotides upstream from coding exon 17 in the PTCH1 gene. In silico splice site analysis predicts that this alteration will weaken the native splice acceptor site and will result in the creation or strengthening of a novel splice acceptor site. RNA studies have demonstrated that this alteration results in a transcript predicted to lead to a protein with an in-frame deletion of four amino acids; however, the exact functional impact of the deleted amino acids is unknown at this time (Ambry internal data). This nucleotide position is highly conserved in available vertebrate species. Based on the available evidence, the clinical significance of this variant remains unclear.

Juno Genomics, Hangzhou Juno Genomics, Inc
Classification: Likely pathogenic for Basal cell nevus syndrome 1. Review status: criteria provided, single submitter. Criteria: ACMG Guidelines, 2015. Collection method: clinical testing. Allele origin: germline. Affected: yes.
Comment: Absent from controls (or at extremely low frequency if recessive) in Genome Aggregation Database, Exome Sequencing Project, 1000 Genomes Project, or Exome Aggregation Consortium.;Null variant in a gene where loss of function (LOF) is a known mechanism of disease.